The following is an entry in ClinVar:

NM_032525.3(TUBB6):c.257G>A (p.Arg86Gln)

Gene: TUBB6 (tubulin beta 6 class V; plus strand). Cytogenetic location: 18p11.21.
Variant type: single nucleotide variant.
Coding change: c.257G>A on transcript NM_032525.3 (MANE Select); coding-DNA position 257, G replaced by A.
Protein change: p.Arg86Gln; replaces arginine 86 with glutamine.
Molecular consequence: missense variant. On other transcripts: 5 prime UTR variant (3), intron variant (1).
Genome position (GRCh38, 1-based): chr18:12,311,033, G>A. VCF-style: chr18-12311033-G-A. GRCh37 (hg19) VCF-style: chr18-12311032-G-A.
Other names: c.257G>A, p.Arg86Gln (NM_001303524.1, NM_001303525.2); c.41G>A, p.Arg14Gln (NM_001303527.2); c.-55G>A (NM_001303528.2); c.-440G>A (NM_001303529.3); c.-649G>A (NM_001303530.3); c.166+2238G>A (NM_001303526.2); c.257G>A (NM_032525.1); short protein forms R14Q, R86Q.
Identifiers: ClinVar variation 1050648 (VCV001050648.5), dbSNP rs143181795, ClinGen allele CA8895962.

ClinVar aggregate classification (germline): Uncertain significance. Review status: criteria provided, single submitter (1 of 4 stars). 2 submissions from 2 submitters: Uncertain significance (1). 1 of the submissions does not count toward it. Last evaluated 2024-04-19.

Allele frequency attached by ClinVar (database versions not stated): gnomAD 0.00008; ExAC 0.00011; TOPMed 0.00014; ESP Exome Variant Server 0.00038.
gnomAD v4.1: 368 of 1,612,828 alleles (0.023%); highest among the groups gnomAD compares: Non-Finnish European, 0.029%; no homozygotes.

Submissions (2):

Ambry Genetics
Classification: Uncertain significance. Last evaluated: 2024-04-19. Review status: criteria provided, single submitter. Criteria: Ambry Variant Classification Scheme 2023. Collection method: clinical testing. Allele origin: germline.

Department of Pathology and Laboratory Medicine, Sinai Health System
Classification: Uncertain significance. Review status: no assertion criteria provided. Collection method: clinical testing. Allele origin: unknown. Affected: yes. Study: The Canadian Open Genetics Repository (COGR). Not counted in ClinVar's aggregate classification.
Comment: The TUBB6 p.Arg86Gln variant was not identified in the literature nor was it identified in ClinVar, Cosmic, or LOVD 3.0. The variant was identified in dbSNP (ID: rs143181795) and was also found in control databases in 29 of 250854 chromosomes at a frequency of 0.000116 (Genome Aggregation Database Feb 27, 2017). The variant was observed in the following populations: European (non-Finnish) in 25 of 113530 chromosomes (freq: 0.00022), African in 3 of 16232 chromosomes (freq: 0.000185) and East Asian in 1 of 18324 chromosomes (freq: 0.000055), while the variant was not observed in the Latino, Ashkenazi Jewish, European (Finnish), Other and South Asian populations. The variant occurs outside of the splicing consensus sequence and in silico or computational prediction software programs (SpliceSiteFinder, MaxEntScan, NNSPLICE, GeneSplicer) do not predict a difference in splicing. The p.Arg86 residue is conserved in mammals and computational analyses (PolyPhen-2, SIFT, AlignGVGD, BLOSUM, MutationTaster) provide inconsistent predictions regarding the impact to the protein; this information is not very predictive of pathogenicity. In summary, based on the above information the clinical significance of this variant cannot be determined with certainty at this time. This variant is classified as a variant of uncertain significance.